The following is an entry in ClinVar:

NM_001003800.2(BICD2):c.2505C>T (p.Ala835=)

Gene: BICD2 (BICD cargo adaptor 2; minus strand). Cytogenetic location: 9q22.31.
Variant type: single nucleotide variant.
Coding change: c.2505C>T on transcript NM_001003800.2 (MANE Select); coding-DNA position 2505, C replaced by T.
Protein change: p.Ala835=; no amino-acid change (alanine 835 retained).
Molecular consequence: synonymous variant. On other transcripts: intron variant (1).
Genome position (GRCh38, 1-based): chr9:92,715,217, G>A on the plus strand (C>T on the coding strand, the complement: BICD2 is on the minus strand). VCF-style: chr9-92715217-G-A. GRCh37 (hg19) VCF-style: chr9-95477499-G-A.
Other names: c.2469+36C>T (NM_015250.4).
Identifiers: ClinVar variation 772200 (VCV000772200.5), dbSNP rs566505973, ClinGen allele CA5126282.

ClinVar aggregate classification (germline): Likely benign. Review status: criteria provided, single submitter (1 of 4 stars). 2 submissions from 2 submitters: Likely benign (1). 1 of the submissions does not count toward it. Last evaluated 2017-12-07.

Conditions:
BICD2-related disorder. Also called: BICD2-related condition.

Allele frequency attached by ClinVar (database versions not stated): TOPMed below 0.00001; gnomAD 0.00001; gnomAD exomes 0.00001; ExAC 0.00003; 1000 Genomes Project 30x 0.00016; 1000 Genomes Project 0.00020.
gnomAD v4.1: 13 of 1,612,916 alleles (0.00081%); highest among the groups gnomAD compares: South Asian, 0.0033%; no homozygotes.

Submissions (2):

Labcorp Genetics (formerly Invitae), Labcorp
Classification: Likely benign. Last evaluated: 2017-12-07. Review status: criteria provided, single submitter. Criteria: Invitae Variant Classification Sherloc (09022015). Collection method: clinical testing. Allele origin: germline.

PreventionGenetics, part of Exact Sciences
Classification: Likely benign for BICD2-related condition. Last evaluated: 2020-09-02. Review status: no assertion criteria provided. Collection method: clinical testing. Allele origin: germline. Not counted in ClinVar's aggregate classification.
Comment: This variant is classified as likely benign based on ACMG/AMP sequence variant interpretation guidelines (Richards et al. 2015 PMID: 25741868, with internal and published modifications).